The following is an entry in ClinVar:

ClinVar aggregate classification (germline): Uncertain significance (1 of 4 stars; one submission).

gnomAD v4.1: 2 of 1,613,346 alleles (0.00012%); highest among the groups gnomAD compares: Non-Finnish European, 0.00017%; no homozygotes.

Submission:

CeGaT Center for Human Genetics Tuebingen
Classification: Uncertain significance. Last evaluated: 2022-10-01. Review status: criteria provided, single submitter. Criteria: CeGaT Center For Human Genetics Tuebingen Variant Classification Criteria Version 2. Collection method: clinical testing. Allele origin: germline. Affected: yes. Observed: 1 variant allele.
Comment: TTN: PM2, BP4

NM_001267550.2(TTN):c.58208C>T (p.Ala19403Val)

Genes: TTN (titin; minus strand), TTN-AS1 (TTN antisense RNA 1; plus strand). Cytogenetic location: 2q31.2.
Variant type: single nucleotide variant.
Coding change: c.58208C>T on transcript NM_001267550.2 (MANE Select); coding-DNA position 58208, C replaced by T.
Protein change: p.Ala19403Val; replaces alanine 19403 with valine.
Molecular consequence: missense variant.
Genome position (GRCh38, 1-based): chr2:178,594,185, G>A on the plus strand (C>T on the coding strand, the complement: TTN is on the minus strand). VCF-style: chr2-178594185-G-A. GRCh37 (hg19) VCF-style: chr2-179458912-G-A.
Other names: c.53285C>T, p.Ala17762Val (NM_001256850.1); c.31013C>T, p.Ala10338Val (NM_003319.4); c.50504C>T, p.Ala16835Val (NM_133378.4); c.31388C>T, p.Ala10463Val (NM_133432.3); c.31589C>T, p.Ala10530Val (NM_133437.4); short protein forms A10338V, A10463V, A10530V, A16835V, A17762V, A19403V.
Identifiers: ClinVar variation 1879501 (VCV001879501.29), dbSNP rs573503792, ClinGen allele CA349508335.